The following is an entry in ClinVar:

NM_001009944.3(PKD1):c.9098del (p.Leu3033fs)

Gene: PKD1 (polycystin 1, transient receptor potential channel interacting; minus strand). Cytogenetic location: 16p13.3.
Variant type: Deletion.
Coding change: c.9098del on transcript NM_001009944.3 (MANE Select); coding-DNA position 9098, one base deleted (T; older notation c.9098delT).
Protein change: p.Leu3033fs; shifts the reading frame from leucine 3033.
Molecular consequence: frameshift variant.
Genome position (GRCh38, 1-based): chr16:2,102,484, A deleted on the plus strand (T on the coding strand, the reverse complement: PKD1 is on the minus strand). VCF-style (leftmost placement, unchanged base first): chr16-2102483-CA-C. GRCh37 (hg19) VCF-style: chr16-2152484-CA-C.
Other names: c.9098del, p.Leu3033fs (NM_000296.4); short protein forms L3033fs.
Identifiers: ClinVar variation 3335842 (VCV003335842.2).

ClinVar aggregate classification (germline): Pathogenic (1 of 4 stars; one submission).

Conditions:
Polycystic kidney disease, adult type (PKD1). Also called: Polycystic Kidney, Autosomal Dominant; POLYCYSTIC KIDNEY DISEASE 1 WITH OR WITHOUT POLYCYSTIC LIVER DISEASE; POLYCYSTIC KIDNEY DISEASE, ADULT, TYPE I; Polycystic Kidney Disease 1, Autosomal Dominant; Polycystic kidney disease 1; Polycystic kidney disease 1, severe. Identifiers: MedGen C3149841, MONDO:0008263, OMIM 173900.

Submission:

Juno Genomics, Hangzhou Juno Genomics, Inc
Classification: Pathogenic for Polycystic kidney disease, adult type. Review status: criteria provided, single submitter. Criteria: ACMG Guidelines, 2015. Collection method: clinical testing. Allele origin: germline. Affected: yes.
Comment: Absent from controls (or at extremely low frequency if recessive) in Genome Aggregation Database, Exome Sequencing Project, 1000 Genomes Project, or Exome Aggregation Consortium.;Null variant in a gene where loss of function (LOF) is a known mechanism of disease.;Patient's phenotype or family history is highly specific for a disease with a single genetic etiology.